The following is an entry in ClinVar:

NM_177438.3(DICER1):c.2196A>C (p.Glu732Asp)

Gene: DICER1 (dicer 1, ribonuclease III; minus strand). Cytogenetic location: 14q32.13.
Variant type: single nucleotide variant.
Coding change: c.2196A>C on transcript NM_177438.3 (MANE Select); coding-DNA position 2196, A replaced by C.
Protein change: p.Glu732Asp; replaces glutamic acid 732 with aspartic acid.
Molecular consequence: missense variant.
Genome position (GRCh38, 1-based): chr14:95,111,377, T>G on the plus strand (A>C on the coding strand, the complement: DICER1 is on the minus strand). VCF-style: chr14-95111377-T-G. GRCh37 (hg19) VCF-style: chr14-95577714-T-G.
Other names: c.2196A>C, p.Glu732Asp (NM_001195573.1, NM_001271282.3, NM_001291628.2 and 1 more transcripts); short protein forms E732D.
Identifiers: ClinVar variation 1411540 (VCV001411540.9), dbSNP rs146475655, ClinGen allele CA390882643.

ClinVar aggregate classification (germline): Uncertain significance (1 of 4 stars; one submission).

Conditions:
DICER1-related tumor predisposition. Also called: DICER1-related pleuropulmonary blastoma cancer predisposition syndrome; DICER1 syndrome. Identifiers: Orphanet 284343, MedGen C3839822, MONDO:0100216.

Submission:

Labcorp Genetics (formerly Invitae), Labcorp
Classification: Uncertain significance for DICER1-related tumor predisposition. Last evaluated: 2021-02-23. Review status: criteria provided, single submitter. Criteria: Invitae Variant Classification Sherloc (09022015). Collection method: clinical testing. Allele origin: germline.
Comment: In summary, the available evidence is currently insufficient to determine the role of this variant in disease. Therefore, it has been classified as a Variant of Uncertain Significance. Algorithms developed to predict the effect of missense changes on protein structure and function are either unavailable or do not agree on the potential impact of this missense change (SIFT: "Tolerated"; PolyPhen-2: "Probably Damaging"; Align-GVGD: "Class C0"). This variant has not been reported in the literature in individuals with DICER1-related conditions. This variant is not present in population databases (ExAC no frequency). This sequence change replaces glutamic acid with aspartic acid at codon 732 of the DICER1 protein (p.Glu732Asp). The glutamic acid residue is highly conserved and there is a small physicochemical difference between glutamic acid and aspartic acid.